The following is an entry in ClinVar:

NM_002617.4(PEX10):c.21C>T (p.Ser7=)

Gene: PEX10 (peroxisomal biogenesis factor 10; minus strand). Cytogenetic location: 1p36.32.
Variant type: single nucleotide variant.
Coding change: c.21C>T on transcript NM_002617.4 (MANE Select); coding-DNA position 21, C replaced by T.
Protein change: p.Ser7=; no amino-acid change (serine 7 retained).
Molecular consequence: synonymous variant. On other transcripts: intron variant (2).
Genome position (GRCh38, 1-based): chr1:2,412,482, G>A on the plus strand (C>T on the coding strand, the complement: PEX10 is on the minus strand). VCF-style: chr1-2412482-G-A. GRCh37 (hg19) VCF-style: chr1-2343921-G-A.
Other names: c.21C>T, p.Ser7= (NM_001374425.1, NM_153818.2); c.-321+1115C>T (NM_001374427.1, NM_001374426.1); c.21C>T (NM_153818.1).
Identifiers: ClinVar variation 1627212 (VCV001627212.10), dbSNP rs1296095268, ClinGen allele CA415505652.
Genomic context (GRCh38, chr1:2,412,482, plus strand): 5'-GCTCCGCAGCCCACCGCGGTAGTACTCGTCCTTCTGCGCCGCGCGGATCACCTCCGGGGG[G>A]CTGGCGGCGGCCGGGGCCATGGCCGCGGGTTCGGGTGGTCCCGAGCAGCCACGCCGGCCA-3'
Protein context (NP_002608.1, residues 1-17): MAPAAA[Ser7=]PPEVIRAAQK

ClinVar aggregate classification (germline): Likely benign. Review status: criteria provided, multiple submitters, no conflicts (2 of 4 stars). 3 submissions from 3 submitters: Likely benign (3). Last evaluated 2025-12-26.

Conditions:
Peroxisome biogenesis disorder, complementation group 7 (CG7). Also called: Peroxisome biogenesis disorder, complementation group B. Identifiers: MedGen C1864399.
PEX10-related disorder. Also called: PEX10-related condition.

Allele frequency attached by ClinVar (database versions not stated): gnomAD 0.00001.
gnomAD v4.1: 8 of 1,383,880 alleles (0.00058%); highest among the groups gnomAD compares: African/African-American, 0.0015%; no homozygotes.

Submissions (3):

PreventionGenetics, part of Exact Sciences
Classification: Likely benign for PEX10-related condition. Last evaluated: 2025-12-26. Review status: criteria provided, single submitter. Criteria: ACMG Guidelines, 2015. Collection method: clinical testing. Allele origin: germline.
Comment: This variant is classified as likely benign based on ACMG/AMP sequence variant interpretation guidelines (Richards et al. 2015 PMID: 25741868, with internal and published modifications).

Labcorp Genetics (formerly Invitae), Labcorp
Classification: Likely benign for Peroxisome biogenesis disorder, complementation group 7. Last evaluated: 2025-06-29. Review status: criteria provided, single submitter. Criteria: Invitae Variant Classification Sherloc (09022015). Collection method: clinical testing. Allele origin: germline.

Blueprint Genetics
Classification: Likely benign. Last evaluated: 2019-12-21. Review status: criteria provided, single submitter. Criteria: ACMG Guidelines, 2015. Collection method: clinical testing. Allele origin: germline.